The following is an entry in ClinVar:

ClinVar aggregate classification (germline): Uncertain significance (1 of 4 stars; one submission).

Submission:

Dasa
Classification: Uncertain significance. Last evaluated: 2025-07-07. Review status: criteria provided, single submitter. Criteria: DASA Assertion Criteria. Collection method: clinical testing. Allele origin: germline.
Comment: NM_015330.6(SPECC1L):c.122dup (p.Pro43Thrfs*14) is a frameshift variant in SPECC1L predicted to alter the reading frame and introduce a premature termination codon. This variant is absent from population databases. The currently available literature and clinical evidence are not sufficient to establish a definitive association between this variant and the reported condition. Therefore, this variant is classified as a variant of uncertain significance.

NM_015330.6(SPECC1L):c.122dup (p.Pro43fs)

Genes: SPECC1L (sperm antigen with calponin homology and coiled-coil domains 1 like; plus strand), SPECC1L-ADORA2A (SPECC1L-ADORA2A readthrough (NMD candidate); plus strand). Cytogenetic location: 22q11.23.
Variant type: Duplication.
Coding change: c.122dup on transcript NM_015330.6 (MANE Select); coding-DNA position 122, one base duplicated (T; older notation c.122dupT).
Protein change: p.Pro43fs; shifts the reading frame from proline 43.
Molecular consequence: frameshift variant. On other transcripts: non-coding transcript variant (1).
Genome position (GRCh38, 1-based): chr22:24,302,353, T duplicated. VCF-style (leftmost placement, unchanged base first): chr22-24302352-G-GT. GRCh37 (hg19) VCF-style: chr22-24698320-G-GT.
Other names: c.122dup, p.Pro43fs (NM_001145468.4, NM_001254732.3); short protein forms P43fs.
Identifiers: ClinVar variation 4886298 (VCV004886298.2).
Genomic context (GRCh38, chr22:24,302,352, plus strand): 5'-CAAACAGCAGAAAAAATTAAACCTGAAAACAGCTCTTCAGCATCTACGGGAGGCAAACTT[G>GT]TAAAACCTGGAACAGCAGCATCATTGTCAAAGGTATTCATGTGATGTTTGAATACATGAT-3'